The following is an entry in ClinVar:

ClinVar aggregate classification (germline): Conflicting classifications of pathogenicity. Review status: criteria provided, conflicting classifications (1 of 4 stars). 3 submissions from 3 submitters: Uncertain significance (2); Likely benign (1). Last evaluated 2025-03-17.

Conditions:
Hajdu-Cheney syndrome (HJCYS). Also called: Acroosteolysis dominant type; SERPENTINE FIBULA-POLYCYSTIC KIDNEY SYNDROME; ACROOSTEOLYSIS WITH OSTEOPOROSIS AND CHANGES IN SKULL AND MANDIBLE. Identifiers: Orphanet 955, MedGen C0917715, MONDO:0007057, OMIM 102500.
Alagille syndrome due to a NOTCH2 point mutation. Also called: Alagille syndrome 2. Identifiers: Orphanet 261629, Orphanet 52, MedGen C1857761, MONDO:0012439, OMIM 610205.

Allele frequency attached by ClinVar (database versions not stated): ExAC 0.00003; TOPMed 0.00008; gnomAD 0.00009; gnomAD exomes 0.00014; ESP Exome Variant Server 0.00015.

Submissions (3):

Labcorp Genetics (formerly Invitae), Labcorp
Classification: Uncertain significance for Hajdu-Cheney syndrome. Last evaluated: 2025-03-17. Review status: criteria provided, single submitter. Criteria: Invitae Variant Classification Sherloc (09022015). Collection method: clinical testing. Allele origin: germline.
Comment: This sequence change replaces serine, which is neutral and polar, with phenylalanine, which is neutral and non-polar, at codon 2379 of the NOTCH2 protein (p.Ser2379Phe). This variant is present in population databases (rs139595218, gnomAD 0.01%). This missense change has been observed in individual(s) with congenital heart defect/s (PMID: 35885997). ClinVar contains an entry for this variant (Variation ID: 2197663). Invitae Evidence Modeling of protein sequence and biophysical properties (such as structural, functional, and spatial information, amino acid conservation, physicochemical variation, residue mobility, and thermodynamic stability) indicates that this missense variant is not expected to disrupt NOTCH2 protein function with a negative predictive value of 80%. In summary, the available evidence is currently insufficient to determine the role of this variant in disease. Therefore, it has been classified as a Variant of Uncertain Significance.

Blueprint Genetics
Classification: Likely benign. Last evaluated: 2024-04-29. Review status: criteria provided, single submitter. Criteria: ACMG Guidelines, 2015. Collection method: clinical testing. Allele origin: germline.

Department of Pathology and Laboratory Medicine, Sinai Health System
Classification: Uncertain significance for Hajdu-Cheney syndrome; Alagille syndrome due to a NOTCH2 point mutation. Last evaluated: 2023-02-09. Review status: criteria provided, single submitter. Criteria: ACMG Guidelines, 2015. Collection method: research. Allele origin: germline.

Literature cited by the submitters: PubMed 35885997 (cited by Labcorp Genetics (formerly Invitae), Labcorp).

NM_024408.4(NOTCH2):c.7136C>T (p.Ser2379Phe)

Gene: NOTCH2 (notch receptor 2; minus strand). Cytogenetic location: 1p12.
Variant type: single nucleotide variant.
Coding change: c.7136C>T on transcript NM_024408.4 (MANE Select); coding-DNA position 7136, C replaced by T.
Protein change: p.Ser2379Phe; replaces serine 2379 with phenylalanine.
Molecular consequence: missense variant.
Genome position (GRCh38, 1-based): chr1:119,915,586, G>A on the plus strand (C>T on the coding strand, the complement: NOTCH2 is on the minus strand). VCF-style: chr1-119915586-G-A. GRCh37 (hg19) VCF-style: chr1-120458209-G-A.
Other names: short protein forms S2379F.
Identifiers: ClinVar variation 2197663 (VCV002197663.6), dbSNP rs139595218, ClinGen allele CA1039314.